The following is an entry in ClinVar:

ClinVar aggregate classification (germline): Uncertain significance (1 of 4 stars; one submission).

gnomAD v4.1: 1 of 1,614,146 alleles (0.000062%); no homozygotes.

Submission:

Labcorp Genetics (formerly Invitae), Labcorp
Classification: Uncertain significance. Last evaluated: 2022-08-16. Review status: criteria provided, single submitter. Criteria: Invitae Variant Classification Sherloc (09022015). Collection method: clinical testing. Allele origin: germline.
Comment: In summary, the available evidence is currently insufficient to determine the role of this variant in disease. Therefore, it has been classified as a Variant of Uncertain Significance. Advanced modeling of protein sequence and biophysical properties (such as structural, functional, and spatial information, amino acid conservation, physicochemical variation, residue mobility, and thermodynamic stability) performed at Invitae indicates that this missense variant is not expected to disrupt SERPING1 protein function. This sequence change replaces serine, which is neutral and polar, with cysteine, which is neutral and slightly polar, at codon 63 of the SERPING1 protein (p.Ser63Cys). ClinVar contains an entry for this variant (Variation ID: 1505167). This variant has not been reported in the literature in individuals affected with SERPING1-related conditions. This variant is not present in population databases (gnomAD no frequency).

NM_000062.3(SERPING1):c.188C>G (p.Ser63Cys)

Gene: SERPING1 (serpin family G member 1; plus strand). Cytogenetic location: 11q12.1.
Variant type: single nucleotide variant.
Coding change: c.188C>G on transcript NM_000062.3 (MANE Select); coding-DNA position 188, C replaced by G.
Protein change: p.Ser63Cys; replaces serine 63 with cysteine.
Molecular consequence: missense variant.
Genome position (GRCh38, 1-based): chr11:57,600,015, C>G. VCF-style: chr11-57600015-C-G. GRCh37 (hg19) VCF-style: chr11-57367488-C-G.
Other names: c.188C>G, p.Ser63Cys (NM_001032295.2); short protein forms S63C.
Identifiers: ClinVar variation 1505167 (VCV001505167.6), dbSNP rs757332518, ClinGen allele CA380694710.